The following is an entry in ClinVar:

NM_001199397.3(NEK1):c.2972_2973del (p.Ile991fs)

Gene: NEK1 (NIMA related kinase 1; minus strand). Cytogenetic location: 4q33.
Variant type: Microsatellite.
Coding change: c.2972_2973del on transcript NM_001199397.3 (MANE Select); coding-DNA positions 2972 to 2973, 2 bases deleted (TA; older notation c.2972_2973delTA).
Protein change: p.Ile991fs; shifts the reading frame from isoleucine 991.
Molecular consequence: frameshift variant. On other transcripts: non-coding transcript variant (1).
Genome position (GRCh38, 1-based): chr4:169,426,147-169,426,148, TA deleted on the plus strand (TA on the coding strand, the reverse complement: NEK1 is on the minus strand); deleting any 2 consecutive bases within chr4:169,426,147-169,426,151 gives the same sequence; the c. name uses the placement nearest the transcript's 3' end. VCF-style (leftmost placement, unchanged base first): chr4-169426146-CTA-C. GRCh37 (hg19) VCF-style: chr4-170347297-CTA-C.
Other names: c.2840_2841del, p.Ile947fs (NM_001199398.3); c.2681_2682del, p.Ile894fs (NM_001199399.3); c.2756_2757del, p.Ile919fs (NM_001199400.3); c.2972_2973del, p.Ile991fs (NM_001374418.1); c.2888_2889del, p.Ile963fs (NM_001374419.1, NM_012224.4); c.2837_2838del, p.Ile946fs (NM_001374420.1); c.2489_2490del, p.Ile830fs (NM_001374421.1); short protein forms I991fs, I830fs, I946fs, I963fs, I919fs, I894fs, I947fs.
Identifiers: ClinVar variation 1385116 (VCV001385116.6), dbSNP rs2111354717, ClinGen allele CA2580613486.

ClinVar aggregate classification (germline): Pathogenic (1 of 4 stars; one submission).

Conditions:
Short-rib thoracic dysplasia 6 with or without polydactyly (SRTD6). Also called: SHORT RIB-POLYDACTYLY SYNDROME, TYPE IIA; POLYDACTYLY WITH NEONATAL CHONDRODYSTROPHY, TYPE II; SHORT-RIB THORACIC DYSPLASIA 6 WITH POLYDACTYLY; SHORT-RIB THORACIC DYSPLASIA 6 WITHOUT POLYDACTYLY; Majewski Syndrome. Identifiers: MedGen C0024507, MONDO:0009894, OMIM 263520.

Submission:

Labcorp Genetics (formerly Invitae), Labcorp
Classification: Pathogenic for Short-rib thoracic dysplasia 6 with or without polydactyly. Last evaluated: 2024-10-14. Review status: criteria provided, single submitter. Criteria: Invitae Variant Classification Sherloc (09022015). Collection method: clinical testing. Allele origin: germline.
Comment: This sequence change creates a premature translational stop signal (p.Ile963Argfs*6) in the NEK1 gene. It is expected to result in an absent or disrupted protein product. Loss-of-function variants in NEK1 are known to be pathogenic (PMID: 22499340, 29068549). This variant is not present in population databases (gnomAD no frequency). This variant has not been reported in the literature in individuals affected with NEK1-related conditions. For these reasons, this variant has been classified as Pathogenic.

Literature cited by the submitters: PubMed 22499340; PubMed 29068549.